The following is an entry in ClinVar:

NM_000384.3(APOB):c.6974T>G (p.Ile2325Ser)

Gene: APOB (apolipoprotein B; minus strand). Cytogenetic location: 2p24.1.
Variant type: single nucleotide variant.
Coding change: c.6974T>G on transcript NM_000384.3 (MANE Select); coding-DNA position 6974, T replaced by G.
Protein change: p.Ile2325Ser; replaces isoleucine 2325 with serine.
Molecular consequence: missense variant.
Genome position (GRCh38, 1-based): chr2:21,009,894, A>C on the plus strand (T>G on the coding strand, the complement: APOB is on the minus strand). VCF-style: chr2-21009894-A-C. GRCh37 (hg19) VCF-style: chr2-21232766-A-C.
Other names: short protein forms I2325S.
Identifiers: ClinVar variation 5027009 (VCV005027009.1).
Genomic context (GRCh38, chr2:21,009,894, plus strand): 5'-ATTAACTCATGGACTTTGGCTCTGAAGGCATTGATTTTCTCAGCTACTTCAAAATCCCCA[A>C]TAAGATTTATAACAAAGTGTTTGACATGCTCAAGAATGTCATTTATTCTTTCAAATGAAA-3'
Protein context (NP_000375.3, residues 2315-2335): EHVKHFVINL[Ile2325Ser]GDFEVAEKIN

ClinVar aggregate classification (germline): Uncertain significance (1 of 4 stars; one submission).

Conditions:
Cardiovascular phenotype. Identifiers: MedGen CN230736.

Submission:

Ambry Genetics
Classification: Uncertain significance for Cardiovascular phenotype. Last evaluated: 2026-07-01. Review status: criteria provided, single submitter. Criteria: Ambry Variant Classification Scheme 2023. Collection method: clinical testing. Allele origin: germline.
Comment: The p.I2325S variant (also known as c.6974T>G), located in coding exon 26 of the APOB gene, results from a T to G substitution at nucleotide position 6974. The isoleucine at codon 2325 is replaced by serine, an amino acid with dissimilar properties. This amino acid position is conserved. In addition, this alteration is predicted to be tolerated by in silico analysis. Based on the available evidence, the clinical significance of this variant remains unclear.